The following is an entry in ClinVar:

ClinVar aggregate classification (germline): Uncertain significance. Review status: criteria provided, multiple submitters, no conflicts (2 of 4 stars). 2 submissions from 2 submitters: Uncertain significance (2). Last evaluated 2024-06-01.

Conditions:
Sulfite oxidase deficiency due to molybdenum cofactor deficiency type B1 (MOCODB1). Also called: Molybdenum cofactor deficiency, complementation group B; Molybdenum cofactor deficiency B; MOLYBDENUM COFACTOR DEFICIENCY, TYPE B1; Sulfite oxidase deficiency due to molybdenum cofactor deficiency type B. Identifiers: Orphanet 308393, Orphanet 833, MedGen C6065887, MONDO:0009644, OMIM 252160.

Allele frequency attached by ClinVar (database versions not stated): ExAC 0.00001; gnomAD 0.00001; TOPMed 0.00001.

Submissions (2):

CeGaT Center for Human Genetics Tuebingen
Classification: Uncertain significance. Last evaluated: 2024-06-01. Review status: criteria provided, single submitter. Criteria: CeGaT Center For Human Genetics Tuebingen Variant Classification Criteria Version 2. Collection method: clinical testing. Allele origin: germline. Affected: yes. Observed: 1 variant allele.
Comment: MOCS2: PM2

Fulgent Genetics
Classification: Uncertain significance for Sulfite oxidase deficiency due to molybdenum cofactor deficiency type B1. Last evaluated: 2024-03-04. Review status: criteria provided, single submitter. Criteria: ACMG Guidelines, 2015. Collection method: clinical testing. Allele origin: germline.

NM_004531.5(MOCS2):c.63C>G (p.Pro21=)

Gene: MOCS2 (molybdenum cofactor synthesis 2; minus strand). Cytogenetic location: 5q11.2.
Variant type: single nucleotide variant.
Coding change: c.63C>G on transcript NM_004531.5 (MANE Select); coding-DNA position 63, C replaced by G.
Protein change: p.Pro21=; no amino-acid change (proline 21 retained).
Molecular consequence: synonymous variant. On other transcripts: missense variant (1).
Genome position (GRCh38, 1-based): chr5:53,107,112, G>C on the plus strand (C>G on the coding strand, the complement: MOCS2 is on the minus strand). VCF-style: chr5-53107112-G-C. GRCh37 (hg19) VCF-style: chr5-52402942-G-C.
Other names: c.250C>G, p.Pro84Ala (NM_176806.4); c.63C>G, p.Pro21= (NM_183418.1); short protein forms P84A.
Identifiers: ClinVar variation 3250842 (VCV003250842.19), dbSNP rs770663901.